The following is an entry in ClinVar:

NM_002693.3(POLG):c.1023+10C>T

Gene: POLG (DNA polymerase gamma, catalytic subunit; minus strand). Cytogenetic location: 15q26.1.
Variant type: single nucleotide variant.
Coding change: c.1023+10C>T on transcript NM_002693.3 (MANE Select); 10 bases into the intron after coding-DNA position 1023, C replaced by T.
Molecular consequence: intron variant.
Genome position (GRCh38, 1-based): chr15:89,328,933, G>A on the plus strand (C>T on the coding strand, the complement: POLG is on the minus strand). VCF-style: chr15-89328933-G-A. GRCh37 (hg19) VCF-style: chr15-89872164-G-A.
Other names: c.1023+10C>T (NM_001126131.2).
Identifiers: ClinVar variation 619450 (VCV000619450.12), dbSNP rs777477062, ClinGen allele CA7724981.

ClinVar aggregate classification (germline): Likely benign. Review status: criteria provided, multiple submitters, no conflicts (2 of 4 stars). 2 submissions from 2 submitters: Likely benign (2). Last evaluated 2022-11-02.

Conditions:
Progressive sclerosing poliodystrophy (MTDPS4A). Also called: Alpers-Huttenlocher Syndrome (AHS); Alpers Syndrome; ALPERS PROGRESSIVE INFANTILE POLIODYSTROPHY; Mitochondrial DNA depletion syndrome 4A (Alpers type); ALPERS DIFFUSE DEGENERATION OF CEREBRAL GRAY MATTER WITH HEPATIC CIRRHOSIS; Alpers-Huttenlocher Syndrome. Identifiers: Orphanet 726, MedGen C0205710, MONDO:0008758, OMIM 203700.

Allele frequency attached by ClinVar (database versions not stated): gnomAD exomes below 0.00001; ExAC 0.00001.
gnomAD v4.1: 1 of 1,614,132 alleles (0.000062%); highest among the groups gnomAD compares: Non-Finnish European, 0.000085%; no homozygotes.

Submissions (2):

Labcorp Genetics (formerly Invitae), Labcorp
Classification: Likely benign for Progressive sclerosing poliodystrophy. Last evaluated: 2022-11-02. Review status: criteria provided, single submitter. Criteria: Invitae Variant Classification Sherloc (09022015). Collection method: clinical testing. Allele origin: germline.

Wong Mito Lab, Molecular and Human Genetics, Baylor College of Medicine
Classification: Likely benign for Progressive sclerosing poliodystrophy. Last evaluated: 2018-10-01. Review status: criteria provided, single submitter. Criteria: ACMG Guidelines, 2015. Collection method: clinical testing. Allele origin: germline.
Comment: The NM_002693.2:c.1023+10C>T (NP_002684.1:p.=) [GRCH38: NC_000015.10:g.89328933G>A] variant in POLG gene is interpretated to be a Likely Benign based on ACMG guidelines (PMID: 25741868). This variant meets the following evidence codes reported in the ACMG-guideline. BP4:Computational evidence/predictors indicate no impact on the POLG structure, function, or protein-protein interaction. BP6:Reputable source(s) without shared data suggest the variant is benign. Based on the evidence criteria codes applied, the variant is suggested to be Likely Benign.